The following is an entry in ClinVar:

ClinVar aggregate classification (germline): Uncertain significance. Review status: criteria provided, multiple submitters, no conflicts (2 of 4 stars). 2 submissions from 2 submitters: Uncertain significance (2). Last evaluated 2024-09-03.

Conditions:
Inborn genetic diseases. Identifiers: MedGen C0950123, MeSH D030342.
Norman-Roberts syndrome (LIS2). Also called: Lissencephaly 2 (Norman-Roberts type). Identifiers: Orphanet 89844, MedGen C0796089, MONDO:0009760, OMIM 257320.
Familial temporal lobe epilepsy 7. Identifiers: Orphanet 101046, MedGen C4225327, MONDO:0014639, OMIM 616436.

Submissions (2):

Ambry Genetics
Classification: Uncertain significance for Inborn genetic diseases. Last evaluated: 2024-09-03. Review status: criteria provided, single submitter. Criteria: Ambry Variant Classification Scheme 2023. Collection method: clinical testing. Allele origin: germline.

Labcorp Genetics (formerly Invitae), Labcorp
Classification: Uncertain significance for Familial temporal lobe epilepsy 7; Norman-Roberts syndrome. Last evaluated: 2021-06-19. Review status: criteria provided, single submitter. Criteria: Invitae Variant Classification Sherloc (09022015). Collection method: clinical testing. Allele origin: germline.
Comment: In summary, the available evidence is currently insufficient to determine the role of this variant in disease. Therefore, it has been classified as a Variant of Uncertain Significance. Algorithms developed to predict the effect of missense changes on protein structure and function are either unavailable or do not agree on the potential impact of this missense change (SIFT: "Deleterious"; PolyPhen-2: "Benign"; Align-GVGD: "Class C0"). This variant has not been reported in the literature in individuals with RELN-related conditions. This variant is not present in population databases (ExAC no frequency). This sequence change replaces histidine with arginine at codon 163 of the RELN protein (p.His163Arg). The histidine residue is moderately conserved and there is a small physicochemical difference between histidine and arginine.

NM_005045.4(RELN):c.488A>G (p.His163Arg)

Gene: RELN (reelin; minus strand). Cytogenetic location: 7q22.1.
Variant type: single nucleotide variant.
Coding change: c.488A>G on transcript NM_005045.4 (MANE Select); coding-DNA position 488, A replaced by G.
Protein change: p.His163Arg; replaces histidine 163 with arginine.
Molecular consequence: missense variant.
Genome position (GRCh38, 1-based): chr7:103,776,613, T>C on the plus strand (A>G on the coding strand, the complement: RELN is on the minus strand). VCF-style: chr7-103776613-T-C. GRCh37 (hg19) VCF-style: chr7-103417060-T-C.
Other names: c.488A>G, p.His163Arg (NM_173054.3); c.488A>G (NM_005045.3); short protein forms H163R.
Identifiers: ClinVar variation 1401837 (VCV001401837.9), dbSNP rs2116212240, ClinGen allele CA368930599.